The following is an entry in ClinVar:

NM_001382391.1(CSPP1):c.-10-4542C>T

Gene: CSPP1 (centrosome and spindle pole associated protein 1; plus strand). Cytogenetic location: 8q13.1.
Variant type: single nucleotide variant.
Coding change: c.-10-4542C>T on transcript NM_001382391.1 (MANE Select); 4542 bases into the intron before 10 bases upstream of the start codon, C replaced by T.
Molecular consequence: intron variant.
Genome position (GRCh38, 1-based): chr8:67,069,701, C>T. VCF-style: chr8-67069701-C-T. GRCh37 (hg19) VCF-style: chr8-67981936-C-T.
Other names: c.-10-4542C>T (NM_001363132.2, NM_001363131.2, NM_001363133.2); c.99-4542C>T (NM_001364869.1, NM_024790.7, NM_001438331.1 and 3 more transcripts).
Identifiers: ClinVar variation 3026497 (VCV003026497.22), dbSNP rs192402179, ClinGen allele CA178231796.
Genomic context (GRCh38, chr8:67,069,701, plus strand): 5'-TTTCTTTTTTTTCTTTTCTTTCTTTTTTTTTTTTTTGAGATGGAGTCTCACTCTGTTGCC[C>T]AGACTGGAGTGCAGTGGCATGATCTCGGCTCACTGCAACTTCCACCTGCCTGGTTCAAGC-3'

ClinVar aggregate classification (germline): Likely benign (1 of 4 stars; one submission).

Allele frequency attached by ClinVar (database versions not stated): TOPMed 0.00138; 1000 Genomes Project 30x 0.00141; 1000 Genomes Project 0.00160.
gnomAD v4.1: 224 of 150,092 alleles (0.15%); highest among the groups gnomAD compares: Admixed American, 0.19%; 1 homozygote.

Submission:

CeGaT Center for Human Genetics Tuebingen
Classification: Likely benign. Last evaluated: 2026-09-01. Review status: criteria provided, single submitter. Criteria: CeGaT Center For Human Genetics Tuebingen Variant Classification Criteria Version 2. Collection method: clinical testing. Allele origin: germline. Affected: yes. Observed: 7 variant alleles.
Comment: CSPP1: BP4, BP7